The following is an entry in ClinVar:

ClinVar aggregate classification (germline): Conflicting classifications of pathogenicity. Review status: criteria provided, conflicting classifications (1 of 4 stars). 5 submissions from 5 submitters: Pathogenic (1); Likely pathogenic (3); Uncertain significance (1). Last evaluated 2025-10-30.

Conditions:
Isovaleryl-CoA dehydrogenase deficiency (IVA). Also called: Isovaleric acidemia; IVD DEFICIENCY; Classic Isovaleric Acidemia; ISOVALERIC ACID CoA DEHYDROGENASE DEFICIENCY. Identifiers: Orphanet 33, MedGen C0268575, MONDO:0009475, OMIM 243500.

Allele frequency attached by ClinVar (database versions not stated): gnomAD 0.00001; TOPMed 0.00001; gnomAD exomes 0.00002.

Submissions (5):

Myriad Genetics, Inc.
Classification: Uncertain significance for Isovaleryl-CoA dehydrogenase deficiency. Last evaluated: 2025-10-30. Review status: criteria provided, single submitter. Criteria: Myriad Autosomal Dominant, Autosomal Recessive and X-Linked Classification Criteria (2023). Collection method: clinical testing. Allele origin: unknown.
Comment: NM_002225.3(IVD):c.1039G>A(A347T) is a missense variant classified as a variant of uncertain significance in the context of isovaleric acidemia. A347T has been observed in cases with relevant disease (PMID: 33496032, 31442447). Relevant functional assessments of this variant are not available in the literature. A347T has been observed in referenced population frequency databases. In summary, there is insufficient evidence to classify NM_002225.3(IVD):c.1039G>A(A347T) as pathogenic or benign. Please note: this variant was assessed in the context of healthy population screening.

Natera, Inc.
Classification: Likely pathogenic for Isovaleryl-coa dehydrogenase deficiency. Last evaluated: 2025-05-27. Review status: criteria provided, single submitter. Criteria: Natera Variant Classification Schema (03/2026). Collection method: clinical testing. Allele origin: germline.
Comment: The c.1039G>A variant in IVD is a missense variant predicted to cause substitution of alanine to threonine at amino acid 347. This variant is rare in the general population with a frequency below the threshold expected for the associated phenotype(s). This variant has been observed in one or more individuals affected with the associated recessive disease, as either homozygous or compound heterozygous with a second variant (PMID: 31442447). This variant has been identified in one or more affected individuals with a phenotype highly consistent with the associated gene (PMID: 31442447). Computational prediction algorithms indicate this variant is likely to affect gene or protein function. Given the available evidence, this variant is classified as Likely Pathogenic.

Labcorp Genetics (formerly Invitae), Labcorp
Classification: Likely pathogenic for Isovaleryl-CoA dehydrogenase deficiency. Last evaluated: 2024-11-05. Review status: criteria provided, single submitter. Criteria: Invitae Variant Classification Sherloc (09022015). Collection method: clinical testing. Allele origin: germline.
Comment: This sequence change replaces alanine, which is neutral and non-polar, with threonine, which is neutral and polar, at codon 347 of the IVD protein (p.Ala347Thr). This variant is present in population databases (no rsID available, gnomAD 0.003%). This missense change has been observed in individual(s) with isovaleric acidemia (PMID: 31442447, 33496032). In at least one individual the data is consistent with being in trans (on the opposite chromosome) from a pathogenic variant. ClinVar contains an entry for this variant (Variation ID: 2083374). An algorithm developed to predict the effect of missense changes on protein structure and function (PolyPhen-2) suggests that this variant is likely to be disruptive. In summary, the currently available evidence indicates that the variant is pathogenic, but additional data are needed to prove that conclusively. Therefore, this variant has been classified as Likely Pathogenic.

Fulgent Genetics
Classification: Likely pathogenic for Isovaleryl-CoA dehydrogenase deficiency. Last evaluated: 2024-05-23. Review status: criteria provided, single submitter. Criteria: ACMG Guidelines, 2015. Collection method: clinical testing. Allele origin: germline.

Baylor Genetics
Classification: Pathogenic for Isovaleryl-CoA dehydrogenase deficiency. Last evaluated: 2024-03-05. Review status: criteria provided, single submitter. Criteria: ACMG Guidelines, 2015. Collection method: clinical testing. Allele origin: unknown.

Literature cited by the submitters: PubMed 31442447 (cited by 3 submitters); PubMed 33496032 (cited by Myriad Genetics, Inc. and Labcorp Genetics (formerly Invitae), Labcorp).

NM_002225.5(IVD):c.1030G>A (p.Ala344Thr)

Gene: IVD (isovaleryl-CoA dehydrogenase; plus strand). Cytogenetic location: 15q15.1.
Variant type: single nucleotide variant.
Coding change: c.1030G>A on transcript NM_002225.5 (MANE Select); coding-DNA position 1030, G replaced by A.
Protein change: p.Ala344Thr; replaces alanine 344 with threonine.
Molecular consequence: missense variant. On other transcripts: non-coding transcript variant (1).
Genome position (GRCh38, 1-based): chr15:40,416,147, G>A. VCF-style: chr15-40416147-G-A. GRCh37 (hg19) VCF-style: chr15-40708346-G-A.
Other names: c.940G>A, p.Ala314Thr (NM_001159508.3); c.982G>A, p.Ala328Thr (NM_001354597.3); c.1030G>A, p.Ala344Thr (NM_001354598.3, NM_001354601.3); c.1117G>A, p.Ala373Thr (NM_001354599.3, NM_001354600.3); c.1039G>A (NM_002225.3); short protein forms A314T, A328T, A373T, A344T.
Identifiers: ClinVar variation 2083374 (VCV002083374.9), dbSNP rs1355297002, ClinGen allele CA391723178.